The following is an entry in ClinVar:

NM_014014.5(SNRNP200):c.1450_1507del (p.Ile484fs)

Gene: SNRNP200 (small nuclear ribonucleoprotein U5 subunit 200; minus strand). Cytogenetic location: 2q11.2.
Variant type: Deletion.
Coding change: c.1450_1507del on transcript NM_014014.5 (MANE Select); coding-DNA positions 1450 to 1507, 58 bases deleted.
Protein change: p.Ile484fs; shifts the reading frame from isoleucine 484.
Molecular consequence: frameshift variant.
Genome position (GRCh38, 1-based): chr2:96,296,941-96,296,998, 58 bases deleted. GRCh37 (hg19): chr2:96,962,680-96,962,737.
Other names: short protein forms I484fs.
Identifiers: ClinVar variation 4533223 (VCV004533223.1).

ClinVar aggregate classification (germline): Uncertain significance (1 of 4 stars; one submission).

Conditions:
Retinitis pigmentosa 33 (RP33). Identifiers: Orphanet 791, MedGen C1835895, MONDO:0012477, OMIM 610359.

Submission:

Juno Genomics, Hangzhou Juno Genomics, Inc
Classification: Uncertain significance for Retinitis pigmentosa 33. Review status: criteria provided, single submitter. Criteria: ACMG Guidelines, 2015. Collection method: clinical testing. Allele origin: germline. Affected: yes.
Comment: Absent from controls (or at extremely low frequency if recessive) in Genome Aggregation Database, Exome Sequencing Project, 1000 Genomes Project, or Exome Aggregation Consortium.